The following is an entry in ClinVar:

ClinVar aggregate classification (germline): Uncertain significance (1 of 4 stars; one submission).

Conditions:
Propionic acidemia (PROP). Also called: GLYCINEMIA, KETOTIC; HYPERGLYCINEMIA WITH KETOACIDOSIS AND LEUKOPENIA; KETOTIC HYPERGLYCINEMIA. Identifiers: Orphanet 35, MedGen C0268579, MONDO:0011628, OMIM 606054, HP:0003571.

Allele frequency attached by ClinVar (database versions not stated): gnomAD exomes below 0.00001; TOPMed 0.00001.
gnomAD v4.1: 4 of 1,614,192 alleles (0.00025%); highest among the groups gnomAD compares: African/African-American, 0.004%; no homozygotes.

Submission:

Labcorp Genetics (formerly Invitae), Labcorp
Classification: Uncertain significance for Propionic acidemia. Last evaluated: 2021-11-28. Review status: criteria provided, single submitter. Criteria: Invitae Variant Classification Sherloc (09022015). Collection method: clinical testing. Allele origin: germline.
Comment: This sequence change replaces methionine, which is neutral and non-polar, with valine, which is neutral and non-polar, at codon 95 of the PCCB protein (p.Met95Val). This variant is not present in population databases (gnomAD no frequency). This variant has not been reported in the literature in individuals affected with PCCB-related conditions. Algorithms developed to predict the effect of missense changes on protein structure and function are either unavailable or do not agree on the potential impact of this missense change (SIFT: "Deleterious"; PolyPhen-2: "Benign"; Align-GVGD: "Class C15"). In summary, the available evidence is currently insufficient to determine the role of this variant in disease. Therefore, it has been classified as a Variant of Uncertain Significance.

NM_000532.5(PCCB):c.283A>G (p.Met95Val)

Gene: PCCB (propionyl-CoA carboxylase subunit beta; plus strand). Cytogenetic location: 3q22.3.
Variant type: single nucleotide variant.
Coding change: c.283A>G on transcript NM_000532.5 (MANE Select); coding-DNA position 283, A replaced by G.
Protein change: p.Met95Val; replaces methionine 95 with valine.
Molecular consequence: missense variant.
Genome position (GRCh38, 1-based): chr3:136,255,955, A>G. VCF-style: chr3-136255955-A-G. GRCh37 (hg19) VCF-style: chr3-135974797-A-G.
Other names: c.283A>G, p.Met95Val (NM_001178014.2); short protein forms M95V.
Identifiers: ClinVar variation 1437652 (VCV001437652.3), dbSNP rs1941662476, ClinGen allele CA354738575.